The following is an entry in ClinVar:

NM_033109.5(PNPT1):c.454-10C>T

Gene: PNPT1 (polyribonucleotide nucleotidyltransferase 1; minus strand). Cytogenetic location: 2p16.1.
Variant type: single nucleotide variant.
Coding change: c.454-10C>T on transcript NM_033109.5 (MANE Select); 10 bases into the intron before coding-DNA position 454, C replaced by T.
Molecular consequence: intron variant.
Genome position (GRCh38, 1-based): chr2:55,680,928, G>A on the plus strand (C>T on the coding strand, the complement: PNPT1 is on the minus strand). VCF-style: chr2-55680928-G-A. GRCh37 (hg19) VCF-style: chr2-55908063-G-A.
Other names: p.?.
Identifiers: ClinVar variation 3717508 (VCV003717508.3).
Genomic context (GRCh38, chr2:55,680,928, plus strand): 5'-TAGGACATCAGGCTCATTTACACCATCTACTGCTAACAGATTACACAGAACCTGGTAAAA[G>A]GGAAAAAATTTGATTTGGAAGGGTTATCATTTAGGTTAACATCCTGACCTAAAATACAAG-3'

ClinVar aggregate classification (germline): Likely benign. Review status: criteria provided, multiple submitters, no conflicts (2 of 4 stars). 2 submissions from 2 submitters: Likely benign (2). Last evaluated 2025-12-18.

gnomAD v4.1: 10 of 1,610,782 alleles (0.00062%); highest among the groups gnomAD compares: Non-Finnish European, 0.00085%; no homozygotes.

Submissions (2):

Mayo Clinic Laboratories, Mayo Clinic
Classification: Likely benign. Last evaluated: 2025-12-18. Review status: criteria provided, single submitter. Criteria: ACMG Guidelines, 2015. Collection method: clinical testing. Allele origin: germline. Observed: 1 variant allele.
Comment: BP4, BP7

Labcorp Genetics (formerly Invitae), Labcorp
Classification: Likely benign. Last evaluated: 2025-08-19. Review status: criteria provided, single submitter. Criteria: Invitae Variant Classification Sherloc (09022015). Collection method: clinical testing. Allele origin: germline.